The following is an entry in ClinVar:

ClinVar aggregate classification (germline): Likely benign. Review status: criteria provided, multiple submitters, no conflicts (2 of 4 stars). 2 submissions from 2 submitters: Likely benign (2). Last evaluated 2025-04-01.

Conditions:
Dilated cardiomyopathy 1G (CMD1G). Identifiers: Orphanet 154, MedGen C1858763, MONDO:0011400, OMIM 604145.
Autosomal recessive limb-girdle muscular dystrophy type 2J (LGMDR10). Also called: Limb-girdle muscular dystrophy, type 2J; MUSCULAR DYSTROPHY, LIMB-GIRDLE, AUTOSOMAL RECESSIVE 10. Identifiers: Orphanet 140922, MedGen C1837342, MONDO:0012127, OMIM 608807.

Submissions (2):

CeGaT Center for Human Genetics Tuebingen
Classification: Likely benign. Last evaluated: 2025-04-01. Review status: criteria provided, single submitter. Criteria: CeGaT Center For Human Genetics Tuebingen Variant Classification Criteria Version 2. Collection method: clinical testing. Allele origin: germline. Affected: yes. Observed: 1 variant allele.
Comment: TTN: PM2:Supporting, BP4, BP7

Labcorp Genetics (formerly Invitae), Labcorp
Classification: Likely benign for Dilated cardiomyopathy 1G; Autosomal recessive limb-girdle muscular dystrophy type 2J. Last evaluated: 2022-07-05. Review status: criteria provided, single submitter. Criteria: Invitae Variant Classification Sherloc (09022015). Collection method: clinical testing. Allele origin: germline.

NM_001267550.2(TTN):c.50805T>C (p.Gly16935=)

Genes: TTN (titin; minus strand), TTN-AS1 (TTN antisense RNA 1; plus strand). Cytogenetic location: 2q31.2.
Variant type: single nucleotide variant.
Coding change: c.50805T>C on transcript NM_001267550.2 (MANE Select); coding-DNA position 50805, T replaced by C.
Protein change: p.Gly16935=; no amino-acid change (glycine 16935 retained).
Molecular consequence: synonymous variant.
Genome position (GRCh38, 1-based): chr2:178,611,424, A>G on the plus strand (T>C on the coding strand, the complement: TTN is on the minus strand). VCF-style: chr2-178611424-A-G. GRCh37 (hg19) VCF-style: chr2-179476151-A-G.
Other names: c.45882T>C, p.Gly15294= (NM_001256850.1); c.23610T>C, p.Gly7870= (NM_003319.4); c.43101T>C, p.Gly14367= (NM_133378.4); c.23985T>C, p.Gly7995= (NM_133432.3); c.24186T>C, p.Gly8062= (NM_133437.4).
Identifiers: ClinVar variation 1658251 (VCV001658251.15), dbSNP rs2154199746, ClinGen allele CA430271892.